The following is an entry in ClinVar:

ClinVar aggregate classification (germline): Conflicting classifications of pathogenicity. Review status: criteria provided, conflicting classifications (1 of 4 stars). 2 submissions from 2 submitters: Likely pathogenic (1); Uncertain significance (1). Last evaluated 2025-05-12.

Conditions:
Familial focal epilepsy with variable foci (FPEVF). Identifiers: Orphanet 98820, MedGen C1858477, MONDO:0020310.

Submissions (2):

GeneDx
Classification: Likely pathogenic. Last evaluated: 2025-05-12. Review status: criteria provided, single submitter. Criteria: GeneDx Variant Classification Process June 2021. Collection method: clinical testing. Allele origin: germline. Affected: yes.
Comment: Not observed at significant frequency in large population cohorts (gnomAD); In silico analysis suggests that this missense variant does not alter protein structure/function; Has not been previously published as pathogenic or benign to our knowledge

Labcorp Genetics (formerly Invitae), Labcorp
Classification: Uncertain significance for Familial focal epilepsy with variable foci. Last evaluated: 2021-08-24. Review status: criteria provided, single submitter. Criteria: Invitae Variant Classification Sherloc (09022015). Collection method: clinical testing. Allele origin: germline.

NM_001242896.3(DEPDC5):c.4405A>G (p.Met1469Val)

Gene: DEPDC5 (DEP domain containing 5, GATOR1 subcomplex subunit; plus strand). Cytogenetic location: 22q12.3.
Variant type: single nucleotide variant.
Coding change: c.4405A>G on transcript NM_001242896.3 (MANE Select); coding-DNA position 4405, A replaced by G.
Protein change: p.Met1469Val; replaces methionine 1469 with valine.
Molecular consequence: missense variant. On other transcripts: non-coding transcript variant (5).
Genome position (GRCh38, 1-based): chr22:31,901,771, A>G. VCF-style: chr22-31901771-A-G. GRCh37 (hg19) VCF-style: chr22-32297757-A-G.
Other names: c.4378A>G, p.Met1460Val (NM_001136029.4); c.4105A>G, p.Met1369Val (NM_001242897.2); c.4339A>G, p.Met1447Val (NM_001363852.2, NM_001364320.2); c.4171A>G, p.Met1391Val (NM_001363854.2, NM_001364319.2); c.4405A>G, p.Met1469Val (NM_001364318.2); c.4321A>G, p.Met1441Val (NM_001369901.1, NM_001369902.1); c.4312A>G, p.Met1438Val (NM_001369903.1, NM_014662.6); short protein forms M1438V, M1441V, M1447V, M1369V, M1460V, M1391V, M1469V.
Identifiers: ClinVar variation 954057 (VCV000954057.6), dbSNP rs2093652593, ClinGen allele CA411290411.